The following is an entry in ClinVar:

NM_000553.6(WRN):c.466A>G (p.Lys156Glu)

Gene: WRN (WRN RecQ like helicase; plus strand). Cytogenetic location: 8p12.
Variant type: single nucleotide variant.
Coding change: c.466A>G on transcript NM_000553.6 (MANE Select); coding-DNA position 466, A replaced by G.
Protein change: p.Lys156Glu; replaces lysine 156 with glutamic acid.
Molecular consequence: missense variant.
Genome position (GRCh38, 1-based): chr8:31,065,025, A>G. VCF-style: chr8-31065025-A-G. GRCh37 (hg19) VCF-style: chr8-30922541-A-G.
Other names: short protein forms K156E.
Identifiers: ClinVar variation 2165644 (VCV002165644.1), dbSNP rs758208189, ClinGen allele CA4704071.
Genomic context (GRCh38, chr8:31,065,025, plus strand): 5'-GCAGGTGTAGGAATTGAAGGAGATCAGTGGAAACTTCTACGTGACTTTGATATCAAATTG[A>G]AGAATTTTGTGGAGTTGACAGATGTTGCCAATAAAAAGGTAAAAGCAATATATATATAAT-3'
Protein context (NP_000544.2, residues 146-166): KLLRDFDIKL[Lys156Glu]NFVELTDVAN

ClinVar aggregate classification (germline): Uncertain significance (1 of 4 stars; one submission).

Conditions:
Werner syndrome (WRN). Identifiers: Orphanet 902, MedGen C0043119, MONDO:0010196, OMIM 277700.

gnomAD v4.1: 27 of 1,613,676 alleles (0.0017%); highest among the groups gnomAD compares: South Asian, 0.03%; 1 homozygote.

Submission:

Labcorp Genetics (formerly Invitae), Labcorp
Classification: Uncertain significance for Werner syndrome. Last evaluated: 2022-09-25. Review status: criteria provided, single submitter. Criteria: Invitae Variant Classification Sherloc (09022015). Collection method: clinical testing. Allele origin: germline.
Comment: This sequence change replaces lysine, which is basic and polar, with glutamic acid, which is acidic and polar, at codon 156 of the WRN protein (p.Lys156Glu). This variant is present in population databases (rs758208189, gnomAD 0.04%), including at least one homozygous and/or hemizygous individual. This variant has not been reported in the literature in individuals affected with WRN-related conditions. Algorithms developed to predict the effect of missense changes on protein structure and function output the following: SIFT: "Not Available"; PolyPhen-2: "Benign"; Align-GVGD: "Not Available". The glutamic acid amino acid residue is found in multiple mammalian species, which suggests that this missense change does not adversely affect protein function. In summary, the available evidence is currently insufficient to determine the role of this variant in disease. Therefore, it has been classified as a Variant of Uncertain Significance.